The following is an entry in ClinVar:

ClinVar aggregate classification (germline): Benign/Likely benign. Review status: criteria provided, multiple submitters, no conflicts (2 of 4 stars). 3 submissions from 3 submitters: Benign (1); Likely benign (1). 1 of the submissions does not count toward it. Last evaluated 2025-08-11.

Conditions:
ARID1B-Related Disorder. Identifiers: MedGen CN381337.

Allele frequency attached by ClinVar (database versions not stated): gnomAD 0.00010 and 0.00012; 1000 Genomes Project 30x 0.00031.
gnomAD v4.1: 23 of 1,249,382 alleles (0.0018%); highest among the groups gnomAD compares: African/African-American, 0.035%; no homozygotes.

Submissions (3):

Labcorp Genetics (formerly Invitae), Labcorp
Classification: Benign. Last evaluated: 2025-08-11. Review status: criteria provided, single submitter. Criteria: Invitae Variant Classification Sherloc (09022015). Collection method: clinical testing. Allele origin: germline.

GeneDx
Classification: Likely benign. Last evaluated: 2020-11-10. Review status: criteria provided, single submitter. Criteria: GeneDx Variant Classification Process June 2021. Collection method: clinical testing. Allele origin: germline. Affected: yes.

PreventionGenetics, part of Exact Sciences
Classification: Likely benign for ARID1B-related condition. Last evaluated: 2021-08-17. Review status: no assertion criteria provided. Collection method: clinical testing. Allele origin: germline. Not counted in ClinVar's aggregate classification.
Comment: This variant is classified as likely benign based on ACMG/AMP sequence variant interpretation guidelines (Richards et al. 2015 PMID: 25741868, with internal and published modifications).

NM_001374828.1(ARID1B):c.1452C>T (p.Gly484=)

Gene: ARID1B (AT-rich interaction domain 1B; plus strand). Cytogenetic location: 6q25.3.
Variant type: single nucleotide variant.
Coding change: c.1452C>T on transcript NM_001374828.1 (MANE Select); coding-DNA position 1452, C replaced by T.
Protein change: p.Gly484=; no amino-acid change (glycine 484 retained).
Molecular consequence: synonymous variant.
Genome position (GRCh38, 1-based): chr6:156,779,132, C>T. VCF-style: chr6-156779132-C-T. GRCh37 (hg19) VCF-style: chr6-157100266-C-T.
Other names: c.1452C>T, p.Gly484= (NM_001371656.1, NM_001374820.1, NM_017519.3); c.1203C>T (NM_020732.3).
Identifiers: ClinVar variation 1205073 (VCV001205073.10), dbSNP rs977827286, ClinGen allele CA150802779.